The following is an entry in ClinVar:

NM_001348768.2(HECW2):c.1458A>T (p.Gly486=)

Gene: HECW2 (HECT, C2 and WW domain containing E3 ubiquitin protein ligase 2; minus strand). Cytogenetic location: 2q32.3.
Variant type: single nucleotide variant.
Coding change: c.1458A>T on transcript NM_001348768.2 (MANE Select); coding-DNA position 1458, A replaced by T.
Protein change: p.Gly486=; no amino-acid change (glycine 486 retained).
Molecular consequence: synonymous variant.
Genome position (GRCh38, 1-based): chr2:196,319,432, T>A on the plus strand (A>T on the coding strand, the complement: HECW2 is on the minus strand). VCF-style: chr2-196319432-T-A. GRCh37 (hg19) VCF-style: chr2-197184156-T-A.
Other names: c.390A>T, p.Gly130= (NM_001304840.3); c.1458A>T, p.Gly486= (NM_020760.4).
Identifiers: ClinVar variation 2651789 (VCV002651789.24), dbSNP rs374435725, ClinGen allele CA2038323.

ClinVar aggregate classification (germline): Likely benign (1 of 4 stars; one submission).

Allele frequency attached by ClinVar (database versions not stated): ExAC 0.00002; gnomAD exomes 0.00003; gnomAD 0.00006; ESP Exome Variant Server 0.00008; TOPMed 0.00014; 1000 Genomes Project 30x 0.00016; 1000 Genomes Project 0.00020.
gnomAD v4.1: 52 of 1,613,850 alleles (0.0032%); highest among the groups gnomAD compares: Admixed American, 0.015%; no homozygotes.

Submission:

CeGaT Center for Human Genetics Tuebingen
Classification: Likely benign. Last evaluated: 2023-10-01. Review status: criteria provided, single submitter. Criteria: CeGaT Center For Human Genetics Tuebingen Variant Classification Criteria Version 2. Collection method: clinical testing. Allele origin: germline. Affected: yes. Observed: 1 variant allele.
Comment: HECW2: BP4, BP7